The following is an entry in ClinVar:

NM_005751.5(AKAP9):c.7315A>G (p.Ser2439Gly)

Gene: AKAP9 (A-kinase anchoring protein 9; plus strand). Cytogenetic location: 7q21.2.
Variant type: single nucleotide variant.
Coding change: c.7315A>G on transcript NM_005751.5 (MANE Select); coding-DNA position 7315, A replaced by G.
Protein change: p.Ser2439Gly; replaces serine 2439 with glycine.
Molecular consequence: missense variant.
Genome position (GRCh38, 1-based): chr7:92,079,448, A>G. VCF-style: chr7-92079448-A-G. GRCh37 (hg19) VCF-style: chr7-91708762-A-G.
Other names: c.1960A>G, p.Ser654Gly (NM_001379277.1); c.7291A>G, p.Ser2431Gly (NM_147185.3); short protein forms S2439G, S2431G, S654G.
Identifiers: ClinVar variation 4034134 (VCV004034134.1).
Genomic context (GRCh38, chr7:92,079,448, plus strand): 5'-ACCAATTTTAAAATGAATCAGCTAACACAGGAATTATTCAGCTTAAAGAGAGAACGTGAA[A>G]GTGTGGAAAAGATTCAAAGCATACCAGAGAATAGTGTTAACGTGGCTATAGATCATCTGA-3'
Protein context (NP_005742.4, residues 2429-2449): ELFSLKRERE[Ser2439Gly]VEKIQSIPEN

ClinVar aggregate classification (germline): Uncertain significance (1 of 4 stars; one submission).

Conditions:
Cardiovascular phenotype. Identifiers: MedGen CN230736.

Submission:

Ambry Genetics
Classification: Uncertain significance for Cardiovascular phenotype. Last evaluated: 2025-05-24. Review status: criteria provided, single submitter. Criteria: Ambry Variant Classification Scheme 2023. Collection method: clinical testing. Allele origin: germline.
Comment: The p.S2439G variant (also known as c.7315A>G), located in coding exon 31 of the AKAP9 gene, results from an A to G substitution at nucleotide position 7315. The serine at codon 2439 is replaced by glycine, an amino acid with similar properties. This amino acid position is conserved. In addition, this alteration is predicted to be tolerated by in silico analysis. Based on the available evidence, the clinical significance of this variant remains unclear.